The following is an entry in ClinVar:

ClinVar aggregate classification (germline): Likely benign (0 of 4 stars; one submission).

Conditions:
KCTD3-related disorder. Also called: KCTD3-related condition.

Allele frequency attached by ClinVar (database versions not stated): gnomAD exomes 0.00002; ExAC 0.00006; ESP Exome Variant Server 0.00015; gnomAD 0.00017; 1000 Genomes Project 0.00020; TOPMed 0.00028; 1000 Genomes Project 30x 0.00031.
gnomAD v4.1: 48 of 1,613,378 alleles (0.003%); highest among the groups gnomAD compares: African/African-American, 0.055%; no homozygotes.

Submission:

PreventionGenetics, part of Exact Sciences
Classification: Likely benign for KCTD3-related condition. Last evaluated: 2021-06-02. Review status: no assertion criteria provided. Collection method: clinical testing. Allele origin: germline.
Comment: This variant is classified as likely benign based on ACMG/AMP sequence variant interpretation guidelines (Richards et al. 2015 PMID: 25741868, with internal and published modifications).

NM_016121.5(KCTD3):c.1605A>G (p.Ser535=)

Gene: KCTD3 (potassium channel tetramerization domain containing 3; plus strand). Cytogenetic location: 1q41.
Variant type: single nucleotide variant.
Coding change: c.1605A>G on transcript NM_016121.5 (MANE Select); coding-DNA position 1605, A replaced by G.
Protein change: p.Ser535=; no amino-acid change (serine 535 retained).
Molecular consequence: synonymous variant.
Genome position (GRCh38, 1-based): chr1:215,618,928, A>G. VCF-style: chr1-215618928-A-G. GRCh37 (hg19) VCF-style: chr1-215792270-A-G.
Other names: c.1605A>G, p.Ser535= (NM_001319294.2); c.1299A>G, p.Ser433= (NM_001319295.2).
Identifiers: ClinVar variation 3051513 (VCV003051513.2), dbSNP rs148938818, ClinGen allele CA1392427.
Genomic context (GRCh38, chr1:215,618,928, plus strand): 5'-TCTGCTTTTCTTTTGCAGAATATGTGAGATCCAGGCTGTTGACTGTACTACAATATCCTC[A>G]TTTACAGTGAGGGAATGTGAGGGATCCAGTAGGATGGGCTCAAGACCAAGGCGCTACTTG-3'
Protein context (NP_057205.2, residues 525-545): IQAVDCTTIS[Ser535=]FTVRECEGSS